The following is an entry in ClinVar:

ClinVar aggregate classification (germline): Likely benign. Review status: criteria provided, multiple submitters, no conflicts (2 of 4 stars). 2 submissions from 2 submitters: Likely benign (2). Last evaluated 2025-10-07.

Conditions:
BAP1-related tumor predisposition syndrome (TPDS1). Also called: BAP1 tumor predisposition syndrome; COMMON Syndrome; TUMOR PREDISPOSITION SYNDROME 1; Tumor susceptibility linked to germline BAP1 mutations. Identifiers: Orphanet 289539, MedGen C3280492, MONDO:0013692, OMIM 614327.

Allele frequency attached by ClinVar (database versions not stated): gnomAD exomes below 0.00001; gnomAD 0.00001; TOPMed 0.00001.
gnomAD v4.1: 3 of 1,568,396 alleles (0.00019%); highest among the groups gnomAD compares: African/African-American, 0.0014%; no homozygotes.

Submissions (2):

Labcorp Genetics (formerly Invitae), Labcorp
Classification: Likely benign for BAP1-related tumor predisposition syndrome. Last evaluated: 2025-10-07. Review status: criteria provided, single submitter. Criteria: Invitae Variant Classification Sherloc (09022015). Collection method: clinical testing. Allele origin: germline.

Myriad Genetics, Inc.
Classification: Likely benign for BAP1-related tumor predisposition syndrome. Last evaluated: 2024-07-12. Review status: criteria provided, single submitter. Criteria: Myriad Autosomal Dominant, Autosomal Recessive and X-Linked Classification Criteria (2023). Collection method: clinical testing. Allele origin: unknown.
Comment: This variant is considered likely benign. This variant is intronic and is not expected to impact mRNA splicing.

NM_004656.4(BAP1):c.581-11G>A

Gene: BAP1 (BRCA1 associated deubiquitinase 1; minus strand). Cytogenetic location: 3p21.1.
Variant type: single nucleotide variant.
Coding change: c.581-11G>A on transcript NM_004656.4 (MANE Select); 11 bases into the intron before coding-DNA position 581, G replaced by A.
Molecular consequence: intron variant.
Genome position (GRCh38, 1-based): chr3:52,406,918, C>T on the plus strand (G>A on the coding strand, the complement: BAP1 is on the minus strand). VCF-style: chr3-52406918-C-T. GRCh37 (hg19) VCF-style: chr3-52440934-C-T.
Identifiers: ClinVar variation 1569743 (VCV001569743.9), dbSNP rs1404111061, ClinGen allele CA908111855.